The following is an entry in ClinVar:

ClinVar aggregate classification (germline): Uncertain significance (1 of 4 stars; one submission).

Conditions:
Neurofibromatosis, type 1 (NF1). Also called: NEUROFIBROMATOSIS, TYPE I, SOMATIC; Neurofibromatosis, type I; Peripheral type neurofibromatosis; VON RECKLINGHAUSEN DISEASE. Identifiers: Orphanet 636, MedGen C0027831, MONDO:0018975, OMIM 162200. Disease mechanism: loss of function.

Submission:

Labcorp Genetics (formerly Invitae), Labcorp
Classification: Uncertain significance for Neurofibromatosis, type 1. Last evaluated: 2022-01-17. Review status: criteria provided, single submitter. Criteria: Invitae Variant Classification Sherloc (09022015). Collection method: clinical testing. Allele origin: germline.
Comment: In summary, the available evidence is currently insufficient to determine the role of this variant in disease. Therefore, it has been classified as a Variant of Uncertain Significance. This variant has not been reported in the literature in individuals affected with NF1-related conditions. This variant is not present in population databases (gnomAD no frequency). This variant, c.3210_3212dup, results in the insertion of 1 amino acid(s) of the NF1 protein (p.Ala1071dup), but otherwise preserves the integrity of the reading frame.

NM_001042492.3(NF1):c.3210_3212dup (p.Ala1071_Ser1072insAla)

Gene: NF1 (neurofibromin 1; plus strand). Cytogenetic location: 17q11.2.
Variant type: Duplication.
Coding change: c.3210_3212dup on transcript NM_001042492.3 (MANE Select); coding-DNA positions 3210 to 3212, 3 bases duplicated (GGC; older notation c.3210_3212dupGGC).
Protein change: p.Ala1071_Ser1072insAla.
Molecular consequence: inframe insertion. On other transcripts: inframe indel (1).
Genome position (GRCh38, 1-based): chr17:31,232,085-31,232,087, GGC duplicated. VCF-style (leftmost placement, unchanged base first): chr17-31232084-A-AGGC. GRCh37 (hg19) VCF-style: chr17-29559102-A-AGGC.
Other names: c.3210_3212dup, p.Ala1071_Ser1072insAla (NM_000267.4).
Identifiers: ClinVar variation 2087227 (VCV002087227.4), dbSNP rs2508223430, ClinGen allele CA2580092940.